The following is an entry in ClinVar:

ClinVar aggregate classification (germline): Uncertain significance (1 of 4 stars; one submission).

Conditions:
Fanconi anemia (FA). Also called: Fanconi's anemia. Identifiers: Orphanet 84, MedGen C0015625, MeSH D005199, MONDO:0019391.

gnomAD v4.1: 2 of 1,200,903 alleles (0.00017%); highest among the groups gnomAD compares: South Asian, 0.0035%; no homozygotes.

Submission:

Labcorp Genetics (formerly Invitae), Labcorp
Classification: Uncertain significance for Fanconi anemia. Last evaluated: 2023-03-01. Review status: criteria provided, single submitter. Criteria: Invitae Variant Classification Sherloc (09022015). Collection method: clinical testing. Allele origin: germline.
Comment: In summary, the available evidence is currently insufficient to determine the role of this variant in disease. Therefore, it has been classified as a Variant of Uncertain Significance. Advanced modeling of protein sequence and biophysical properties (such as structural, functional, and spatial information, amino acid conservation, physicochemical variation, residue mobility, and thermodynamic stability) performed at Invitae indicates that this missense variant is expected to disrupt FANCB protein function. This variant has not been reported in the literature in individuals affected with FANCB-related conditions. This variant is present in population databases (no rsID available, gnomAD 0.005%), including at least one homozygous and/or hemizygous individual. This sequence change replaces phenylalanine, which is neutral and non-polar, with leucine, which is neutral and non-polar, at codon 713 of the FANCB protein (p.Phe713Leu).

NM_001018113.3(FANCB):c.2139C>A (p.Phe713Leu)

Gene: FANCB (FA complementation group B; minus strand). Cytogenetic location: Xp22.2.
Variant type: single nucleotide variant.
Coding change: c.2139C>A on transcript NM_001018113.3 (MANE Select); coding-DNA position 2139, C replaced by A.
Protein change: p.Phe713Leu; replaces phenylalanine 713 with leucine.
Molecular consequence: missense variant.
Genome position (GRCh38, 1-based): chrX:14,844,529, G>T on the plus strand (C>A on the coding strand, the complement: FANCB is on the minus strand). VCF-style: chrX-14844529-G-T. GRCh37 (hg19) VCF-style: chrX-14862651-G-T.
Other names: c.2139C>A, p.Phe713Leu (NM_152633.4, NM_001324162.2, NM_001410764.1); short protein forms F713L.
Identifiers: ClinVar variation 2732905 (VCV002732905.3), dbSNP rs1312005700, ClinGen allele CA412438166.